The following is an entry in ClinVar:

ClinVar aggregate classification (germline): Uncertain significance (1 of 4 stars; one submission).

Submission:

Labcorp Genetics (formerly Invitae), Labcorp
Classification: Uncertain significance. Last evaluated: 2022-08-16. Review status: criteria provided, single submitter. Criteria: Invitae Variant Classification Sherloc (09022015). Collection method: clinical testing. Allele origin: germline.
Comment: This variant is not present in population databases (gnomAD no frequency). In summary, the available evidence is currently insufficient to determine the role of this variant in disease. Therefore, it has been classified as a Variant of Uncertain Significance. Algorithms developed to predict the effect of missense changes on protein structure and function (SIFT, PolyPhen-2, Align-GVGD) all suggest that this variant is likely to be tolerated. ClinVar contains an entry for this variant (Variation ID: 1490258). This variant has not been reported in the literature in individuals affected with CNNM4-related conditions. This sequence change replaces isoleucine, which is neutral and non-polar, with valine, which is neutral and non-polar, at codon 281 of the CNNM4 protein (p.Ile281Val).

NM_020184.4(CNNM4):c.841A>G (p.Ile281Val)

Gene: CNNM4 (cyclin and CBS domain divalent metal cation transport mediator 4; plus strand). Cytogenetic location: 2q11.2.
Variant type: single nucleotide variant.
Coding change: c.841A>G on transcript NM_020184.4 (MANE Select); coding-DNA position 841, A replaced by G.
Protein change: p.Ile281Val; replaces isoleucine 281 with valine.
Molecular consequence: missense variant.
Genome position (GRCh38, 1-based): chr2:96,761,840, A>G. VCF-style: chr2-96761840-A-G. GRCh37 (hg19) VCF-style: chr2-97427577-A-G.
Other names: short protein forms I281V.
Identifiers: ClinVar variation 1490258 (VCV001490258.6), dbSNP rs2153341793, ClinGen allele CA347715216.